The following is an entry in ClinVar:

NM_033284.2(TBL1Y):c.413G>A (p.Arg138Gln)

Genes: TBL1Y (transducin beta like 1 Y-linked; plus strand), LOC126057105 (P300/CBP strongly-dependent group 1 enhancer GRCh37_chrY:6931456-6932655; plus strand). Cytogenetic location: Yp11.2.
Variant type: single nucleotide variant.
Coding change: c.413G>A on transcript NM_033284.2 (MANE Select); coding-DNA position 413, G replaced by A.
Protein change: p.Arg138Gln; replaces arginine 138 with glutamine.
Molecular consequence: missense variant.
Genome position (GRCh38, 1-based): chrY:7,064,105, G>A. VCF-style: chrY-7064105-G-A. GRCh37 (hg19) VCF-style: chrY-6932146-G-A.
Other names: c.413G>A, p.Arg138Gln (NM_134258.2, NM_134259.2); short protein forms R138Q.
Identifiers: ClinVar variation 3033002 (VCV003033002.2), dbSNP rs377026718, ClinGen allele CA10572103.
Genomic context (GRCh38, chrY:7,064,105, plus strand): 5'-TGGCAAAGGCGGCAACCATGACCCCAGCTGCTATTTCCCAGCAAAATCCTCCAAAGAACC[G>A]AGAGGCCACAGTGAACGGGGAAGAGAATGGAGCACATGAAATCAGTGAGTGCGCAGGCTC-3'
Protein context (NP_150600.1, residues 128-148): AISQQNPPKN[Arg138Gln]EATVNGEENG

ClinVar aggregate classification (germline): Likely benign (0 of 4 stars; one submission).

Conditions:
TBL1Y-related disorder. Also called: TBL1Y-related condition.

Allele frequency attached by ClinVar (database versions not stated): gnomAD exomes 0.00033; 1000 Genomes Project 30x 0.00063; 1000 Genomes Project 0.00081.
gnomAD v4.1: 138 of 396,677 alleles (0.035%); highest among the groups gnomAD compares: Middle Eastern, 0.18%; no homozygotes.

Submission:

PreventionGenetics, part of Exact Sciences
Classification: Likely benign for TBL1Y-related condition. Last evaluated: 2023-01-04. Review status: no assertion criteria provided. Collection method: clinical testing. Allele origin: germline.
Comment: This variant is classified as likely benign based on ACMG/AMP sequence variant interpretation guidelines (Richards et al. 2015 PMID: 25741868, with internal and published modifications).